The following is an entry in ClinVar:

ClinVar aggregate classification (germline): Pathogenic (1 of 4 stars; one submission).

Submission:

Labcorp Genetics (formerly Invitae), Labcorp
Classification: Pathogenic. Last evaluated: 2021-04-09. Review status: criteria provided, single submitter. Criteria: Invitae Variant Classification Sherloc (09022015). Collection method: clinical testing. Allele origin: germline.
Comment: For these reasons, this variant has been classified as Pathogenic. This variant has not been reported in the literature in individuals with ESCO2-related conditions. This variant is not present in population databases (ExAC no frequency). This sequence change creates a premature translational stop signal (p.Lys300*) in the ESCO2 gene. It is expected to result in an absent or disrupted protein product. Loss-of-function variants in ESCO2 are known to be pathogenic (PMID: 15821733, 16380922).

Literature cited by the submitters: PubMed 15821733; PubMed 16380922.

NM_001017420.3(ESCO2):c.897dup (p.Lys300Ter)

Gene: ESCO2 (establishment of sister chromatid cohesion N-acetyltransferase 2; plus strand). Cytogenetic location: 8p21.1.
Variant type: Duplication.
Coding change: c.897dup on transcript NM_001017420.3 (MANE Select); coding-DNA position 897, one base duplicated (T; older notation c.897dupT).
Protein change: p.Lys300Ter; replaces lysine 300 with a stop codon.
Molecular consequence: nonsense.
Genome position (GRCh38, 1-based): chr8:27,780,209, T duplicated. VCF-style (leftmost placement, unchanged base first): chr8-27780208-A-AT. GRCh37 (hg19) VCF-style: chr8-27637725-A-AT.
Other names: short protein forms K300*.
Identifiers: ClinVar variation 1452680 (VCV001452680.6), dbSNP rs2128952254, ClinGen allele CA2573142793.